The following is an entry in ClinVar:

NM_001267550.2(TTN):c.25484A>T (p.Glu8495Val)

Gene: TTN (titin; minus strand). Cytogenetic location: 2q31.2.
Variant type: single nucleotide variant.
Coding change: c.25484A>T on transcript NM_001267550.2 (MANE Select); coding-DNA position 25484, A replaced by T.
Protein change: p.Glu8495Val; replaces glutamic acid 8495 with valine.
Molecular consequence: missense variant. On other transcripts: intron variant (3).
Genome position (GRCh38, 1-based): chr2:178,717,250, T>A on the plus strand (A>T on the coding strand, the complement: TTN is on the minus strand). VCF-style: chr2-178717250-T-A. GRCh37 (hg19) VCF-style: chr2-179581977-T-A.
Other names: c.24533A>T, p.Glu8178Val (NM_001256850.1); c.21752A>T, p.Glu7251Val (NM_133378.4); c.13282+20832A>T (NM_003319.4); c.13858+20832A>T (NM_133437.4); c.13657+20832A>T (NM_133432.3); short protein forms E8495V, E8178V, E7251V.
Identifiers: ClinVar variation 5006157 (VCV005006157.2).

ClinVar aggregate classification (germline): Uncertain significance (1 of 4 stars; one submission).

Conditions:
Hypertrophic cardiomyopathy 9. Also called: Familial hypertrophic cardiomyopathy 9. Identifiers: MedGen C1861065, MONDO:0013412, OMIM 613765.
Myopathy, myofibrillar, 9, with early respiratory failure (MFM9). Also called: Hereditary myopathy with early respiratory failure; EDSTROM MYOPATHY; MYOPATHY, PROXIMAL, WITH EARLY RESPIRATORY MUSCLE INVOLVEMENT; Myopathy, distal, with early respiratory failure, autosomal dominant. Identifiers: Orphanet 178464, Orphanet 34521, MedGen C1863599, MONDO:0011362, OMIM 603689.
Early-onset myopathy with fatal cardiomyopathy (CMYO5). Also called: CONGENITAL MYOPATHY 5 WITH CARDIOMYOPATHY; Salih Myopathy. Identifiers: Orphanet 289377, MedGen C2673677, MONDO:0012714, OMIM 611705. Disease mechanism: loss of function.
Autosomal recessive limb-girdle muscular dystrophy type 2J (LGMDR10). Also called: Limb-girdle muscular dystrophy, type 2J; MUSCULAR DYSTROPHY, LIMB-GIRDLE, AUTOSOMAL RECESSIVE 10. Identifiers: Orphanet 140922, MedGen C1837342, MONDO:0012127, OMIM 608807.
Dilated cardiomyopathy 1G (CMD1G). Identifiers: Orphanet 154, MedGen C1858763, MONDO:0011400, OMIM 604145.
Tibial muscular dystrophy (TMD). Also called: UDD MYOPATHY; Udd Distal Myopathy – Tibial Muscular Dystrophy; Tibial muscular dystrophy, tardive. Identifiers: Orphanet 609, MedGen C1838244, MONDO:0010870, OMIM 600334.

gnomAD v4.1: 4 of 1,613,740 alleles (0.00025%); highest among the groups gnomAD compares: East Asian, 0.0089%; no homozygotes.

Submission:

Juno Genomics, Hangzhou Juno Genomics, Inc
Classification: Uncertain significance for Tibial muscular dystrophy; Early-onset myopathy with fatal cardiomyopathy; Dilated cardiomyopathy 1G; Hypertrophic cardiomyopathy 9; Autosomal recessive limb-girdle muscular dystrophy type 2J; Myopathy, myofibrillar, 9, with early respiratory failure. Review status: criteria provided, single submitter. Criteria: ACMG Guidelines, 2015. Collection method: clinical testing. Allele origin: germline.
Comment: Absent from controls (or at extremely low frequency if recessive) in Genome Aggregation Database.;Missense variant in a gene that has a low rate of benign missense variation.